The following is an entry in ClinVar:

ClinVar aggregate classification (germline): Likely benign. Review status: criteria provided, multiple submitters, no conflicts (2 of 4 stars). 6 submissions from 6 submitters: Likely benign (6). Last evaluated 2026-01-25.

Conditions:
Nemaline myopathy 2 (NEM2). Also called: Nemaline myopathy 2, autosomal recessive. Identifiers: MedGen C1850569, MONDO:0009725, OMIM 256030.

Allele frequency attached by ClinVar (database versions not stated): gnomAD 0.00017 and 0.00024; TOPMed 0.00018; 1000 Genomes Project 0.00020; ESP Exome Variant Server 0.00025; 1000 Genomes Project 30x 0.00031; gnomAD exomes 0.00033 and 0.00045; ExAC 0.00091.
gnomAD v4.1: 534 of 1,599,264 alleles (0.033%); highest among the groups gnomAD compares: Middle Eastern, 0.3%; 3 homozygotes.

Submissions (6):

Labcorp Genetics (formerly Invitae), Labcorp
Classification: Likely benign for Nemaline myopathy 2. Last evaluated: 2026-01-25. Review status: criteria provided, single submitter. Criteria: Invitae Variant Classification Sherloc (09022015). Collection method: clinical testing. Allele origin: germline.

CeGaT Center for Human Genetics Tuebingen
Classification: Likely benign. Last evaluated: 2025-01-01. Review status: criteria provided, single submitter. Criteria: CeGaT Center For Human Genetics Tuebingen Variant Classification Criteria Version 2. Collection method: clinical testing. Allele origin: germline. Affected: yes. Observed: 1 variant allele.
Comment: NEB: BP4, BS2

Blueprint Genetics
Classification: Likely benign. Last evaluated: 2024-09-02. Review status: criteria provided, single submitter. Criteria: ACMG Guidelines, 2015. Collection method: clinical testing. Allele origin: germline.

Women's Health and Genetics/Laboratory Corporation of America, LabCorp
Classification: Likely benign. Last evaluated: 2024-02-29. Review status: criteria provided, single submitter. Criteria: LabCorp Variant Classification Summary - May 2015. Collection method: clinical testing. Allele origin: germline.

GeneDx
Classification: Likely benign. Last evaluated: 2020-12-18. Review status: criteria provided, single submitter. Criteria: GeneDx Variant Classification Process June 2021. Collection method: clinical testing. Allele origin: germline. Affected: yes.

Breakthrough Genomics
Classification: Likely benign. Review status: criteria provided, single submitter. Criteria: ACMG Guidelines, 2015. Collection method: not provided. Allele origin: germline. Inheritance: Autosomal recessive inheritance. Affected: yes.

NM_001164508.2(NEB):c.20355C>T (p.Asp6785=)

Gene: NEB (nebulin; minus strand). Cytogenetic location: 2q23.3.
Variant type: single nucleotide variant.
Coding change: c.20355C>T on transcript NM_001164508.2 (MANE Select); coding-DNA position 20355, C replaced by T.
Protein change: p.Asp6785=; no amino-acid change (aspartic acid 6785 retained).
Molecular consequence: synonymous variant.
Genome position (GRCh38, 1-based): chr2:151,547,441, G>A on the plus strand (C>T on the coding strand, the complement: NEB is on the minus strand). VCF-style: chr2-151547441-G-A. GRCh37 (hg19) VCF-style: chr2-152403955-G-A.
Other names: c.20355C>T, p.Asp6785= (NM_001164507.2, NM_001271208.2); c.15252C>T, p.Asp5084= (NM_004543.5).
Identifiers: ClinVar variation 534040 (VCV000534040.31), dbSNP rs140323673, ClinGen allele CA1907336.